The following is an entry in ClinVar:

NM_001372044.2(SHANK3):c.4160_4161del (p.Glu1387fs)

Gene: SHANK3 (SH3 and multiple ankyrin repeat domains 3; plus strand). Cytogenetic location: 22q13.33.
Variant type: Microsatellite.
Coding change: c.4160_4161del on transcript NM_001372044.2 (MANE Select); coding-DNA positions 4160 to 4161, 2 bases deleted (AG; older notation c.4160_4161delAG).
Protein change: p.Glu1387fs; shifts the reading frame from glutamic acid 1387.
Molecular consequence: frameshift variant.
Genome position (GRCh38, 1-based): chr22:50,721,768-50,721,769, AG deleted; deleting any 2 consecutive bases within chr22:50,721,766-50,721,769 gives the same sequence; the c. name uses the placement nearest the transcript's 3' end. VCF-style (leftmost placement, unchanged base first): chr22-50721765-AAG-A. GRCh37 (hg19) VCF-style: chr22-51160193-AAG-A.
Other names: c.3935_3936delAG (NM_033517.1); short protein forms E1387fs.
Identifiers: ClinVar variation 817496 (VCV000817496.1), dbSNP rs1603447139, ClinGen allele CA915951511.

ClinVar aggregate classification (germline): Pathogenic (1 of 4 stars; one submission).

Submission:

GeneDx
Classification: Pathogenic. Last evaluated: 2019-03-22. Review status: criteria provided, single submitter. Criteria: GeneDx Variant Classification (06012015). Collection method: clinical testing. Allele origin: germline. Affected: yes.
Comment: The c.3935_3936delAG variant in the SHANK3 gene has not been reported previously as a pathogenic variant nor as a benign variant, to our knowledge. The c.3935_3936delAG variant causes a frameshift starting with codon Glutamic acid 312, changes this amino acid to a Valine residue, and creates a premature Stop codon at position 32 of the new reading frame, denoted p.Glu1312ValfsX32. This variant is predicted to cause loss of normal protein function either through protein truncation or nonsense-mediated mRNA decay. The c.3935_3936delAG variant is not observed in large population cohorts (Lek et al., 2016). We interpret c.3935_3936delAG as a pathogenic variant.